The following is an entry in ClinVar:

NM_017780.4(CHD7):c.5301-5T>C

Gene: CHD7 (chromodomain helicase DNA binding protein 7; plus strand). Cytogenetic location: 8q12.2.
Variant type: single nucleotide variant.
Coding change: c.5301-5T>C on transcript NM_017780.4 (MANE Select); 5 bases into the intron before coding-DNA position 5301, T replaced by C.
Molecular consequence: intron variant.
Genome position (GRCh38, 1-based): chr8:60,849,046, T>C. VCF-style: chr8-60849046-T-C. GRCh37 (hg19) VCF-style: chr8-61761605-T-C.
Other names: c.1717-13183T>C (NM_001316690.1).
Identifiers: ClinVar variation 4994449 (VCV004994449.1).

ClinVar aggregate classification (germline): Uncertain significance (1 of 4 stars; one submission).

Conditions:
CHD7-related disorder. Also called: CHD7-related condition.

Submission:

PreventionGenetics, part of Exact Sciences
Classification: Uncertain significance for CHD7-related condition. Last evaluated: 2025-10-23. Review status: criteria provided, single submitter. Criteria: ACMG Guidelines, 2015. Collection method: clinical testing. Allele origin: germline.
Comment: The CHD7 c.5301-5T>C variant is predicted to interfere with splicing. To our knowledge, this variant has not been reported in the literature or in a large population database (gnomAD), indicating this variant is rare. This variant is predicted to alter splicing based on available splicing prediction programs (SpliceAI, Jaganathan et al. 2019. PubMed ID: 30661751). However, the use of computer prediction programs is not equivalent to functional evidence. At this time, the clinical significance of this variant is uncertain due to the absence of conclusive functional and genetic evidence.